The following is an entry in ClinVar:

ClinVar aggregate classification (germline): Likely benign (1 of 4 stars; one submission).

Allele frequency attached by ClinVar (database versions not stated): 1000 Genomes Project 0.00020; 1000 Genomes Project 30x 0.00031; TOPMed 0.00234; gnomAD 0.00251; gnomAD exomes 0.00434.
gnomAD v4.1: 422 of 162,328 alleles (0.26%); highest among the groups gnomAD compares: Non-Finnish European, 0.46%; 1 homozygote.

Submissions (3):

CeGaT Center for Human Genetics Tuebingen
Classification: Likely benign. Last evaluated: 2022-04-01. Review status: criteria provided, single submitter. Criteria: CeGaT Center For Human Genetics Tuebingen Variant Classification Criteria Version 2. Collection method: clinical testing. Allele origin: germline. Affected: yes. Observed: 1 variant allele.
Comment: ESPNL: BP4, BP7

Dr. Peter K. Rogan Lab, Western University
No classification provided (evidence only). Condition: Familial cancer of breast. Review status: no classification provided. Collection method: in vitro. Allele origin: not applicable. Functional consequence: retained intron. Not counted in ClinVar's aggregate classification.

Dr. Peter K. Rogan Lab, Western University
No classification provided (evidence only). Condition: Nonpapillary renal cell carcinoma. Review status: no classification provided. Collection method: in vitro. Allele origin: not applicable. Functional consequence: retained intron. Not counted in ClinVar's aggregate classification.

NM_194312.4(ESPNL):c.*454G>A

Gene: ESPNL (espin like; plus strand). Cytogenetic location: 2q37.3.
Variant type: single nucleotide variant.
Coding change: c.*454G>A on transcript NM_194312.4 (MANE Select); 454 bases downstream of the stop codon, G replaced by A.
Molecular consequence: 3 prime UTR variant.
Genome position (GRCh38, 1-based): chr2:238,132,186, G>A. VCF-style: chr2-238132186-G-A. GRCh37 (hg19) VCF-style: chr2-239040827-G-A.
Other names: NC_000002.11:g.239040827G>A; c.*454G>A (NM_001308370.2).
Identifiers: ClinVar variation 2652060 (VCV002652060.25), dbSNP rs563194048, ClinGen allele CA67960251.
Genomic context (GRCh38, chr2:238,132,186, plus strand): 5'-TCATGTGAGTCTGAGGTGGCCCCAGGCCCTGGTCCTGCCCCTGTTTCTCCTGCTGACCTT[G>A]GGTCACACCCCTTCACCTCCCATCTGTGAATTTGGGGGAGCTGGAGTGATTCCGAGGACA-3'